The following is an entry in ClinVar:

ClinVar aggregate classification (germline): Uncertain significance (1 of 4 stars; one submission).

gnomAD v4.1: 14 of 1,613,808 alleles (0.00087%); highest among the groups gnomAD compares: African/African-American, 0.0013%; no homozygotes.

Submission:

Women's Health and Genetics/Laboratory Corporation of America, LabCorp
Classification: Uncertain significance. Last evaluated: 2025-04-16. Review status: criteria provided, single submitter. Criteria: LabCorp Variant Classification Summary - May 2015. Collection method: clinical testing. Allele origin: germline.
Comment: Variant summary: DSE c.694T>C (p.Trp232Arg) results in a non-conservative amino acid change in the encoded protein sequence. Four of five in-silico tools predict a damaging effect of the variant on protein function. The variant allele was found at a frequency of 4e-06 in 251412 control chromosomes (gnomAD). The available data on variant occurrences in the general population are insufficient to allow any conclusion about variant significance. To our knowledge, no occurrence of c.694T>C in individuals affected with Ehlers-Danlos syndrome, musculocontractural type 2 and no experimental evidence demonstrating its impact on protein function have been reported. No submitters have cited clinical-significance assessments for this variant to ClinVar. Based on the evidence outlined above, the variant was classified as uncertain significance.

NM_013352.4(DSE):c.694T>C (p.Trp232Arg)

Gene: DSE (dermatan sulfate epimerase; plus strand). Cytogenetic location: 6q22.1.
Variant type: single nucleotide variant.
Coding change: c.694T>C on transcript NM_013352.4 (MANE Select); coding-DNA position 694, T replaced by C.
Protein change: p.Trp232Arg; replaces tryptophan 232 with arginine.
Molecular consequence: missense variant. On other transcripts: 5 prime UTR variant (1), non-coding transcript variant (1), intron variant (2).
Genome position (GRCh38, 1-based): chr6:116,430,977, T>C. VCF-style: chr6-116430977-T-C. GRCh37 (hg19) VCF-style: chr6-116752140-T-C.
Other names: c.694T>C, p.Trp232Arg (NM_001080976.3, NM_001322937.2, NM_001322938.2 and 2 more transcripts); c.751T>C, p.Trp251Arg (NM_001322939.2); c.133T>C, p.Trp45Arg (NM_001322940.2, NM_001322941.2); c.-170T>C (NM_001374520.1); c.83+4150T>C (NM_001374521.1); c.670+4150T>C (NM_001322943.2); short protein forms W232R, W251R, W45R.
Identifiers: ClinVar variation 3896236 (VCV003896236.2).